The following is an entry in ClinVar:

ClinVar aggregate classification (germline): Uncertain significance (1 of 4 stars; one submission).

Conditions:
Ataxia-telangiectasia syndrome (AT). Also called: Ataxia-telangiectasia, complementation group D; AT, COMPLEMENTATION GROUP C; ATAXIA-TELANGIECTASIA, COMPLEMENTATION GROUP A; ATAXIA-TELANGIECTASIA, FRESNO VARIANT; Ataxia-telangiectasia; Ataxia telangiectasia (A-T). Identifiers: Orphanet 100, MedGen C0004135, MONDO:0008840, OMIM 208900.

Submission:

Labcorp Genetics (formerly Invitae), Labcorp
Classification: Uncertain significance for Ataxia-telangiectasia syndrome. Last evaluated: 2022-07-19. Review status: criteria provided, single submitter. Criteria: Invitae Variant Classification Sherloc (09022015). Collection method: clinical testing. Allele origin: germline.
Comment: This sequence change replaces isoleucine, which is neutral and non-polar, with leucine, which is neutral and non-polar, at codon 2223 of the ATM protein (p.Ile2223Leu). In summary, the available evidence is currently insufficient to determine the role of this variant in disease. Therefore, it has been classified as a Variant of Uncertain Significance. Advanced modeling of protein sequence and biophysical properties (such as structural, functional, and spatial information, amino acid conservation, physicochemical variation, residue mobility, and thermodynamic stability) performed at Invitae indicates that this missense variant is not expected to disrupt ATM protein function. ClinVar contains an entry for this variant (Variation ID: 1000731). This variant has not been reported in the literature in individuals affected with ATM-related conditions. This variant is not present in population databases (gnomAD no frequency).

NM_000051.4(ATM):c.6667A>C (p.Ile2223Leu)

Genes: C11orf65 (chromosome 11 open reading frame 65; minus strand), ATM (ATM serine/threonine kinase; plus strand). Cytogenetic location: 11q22.3.
Variant type: single nucleotide variant.
Coding change: c.6667A>C on transcript NM_000051.4 (MANE Select); coding-DNA position 6667, A replaced by C.
Protein change: p.Ile2223Leu; replaces isoleucine 2223 with leucine.
Molecular consequence: missense variant. On other transcripts: intron variant (2).
Genome position (GRCh38, 1-based): chr11:108,325,404, A>C. VCF-style: chr11-108325404-A-C. GRCh37 (hg19) VCF-style: chr11-108196131-A-C.
Other names: c.6667A>C, p.Ile2223Leu (NM_001351834.2); c.641-16333T>G (NM_001330368.2); c.*38+9816T>G (NM_001351110.2); short protein forms I2223L.
Identifiers: ClinVar variation 1000731 (VCV001000731.9), dbSNP rs1028293945, ClinGen allele CA382554857.
Genomic context (GRCh38, chr11:108,325,404, plus strand): 5'-ATTAAGTGGCAGAAACACTCCCAGCTTCTCAAGGACAGTGATTTTAGTTTTCAGGAGCCT[A>C]TCATGGCTCTACGCACAGTCATTTTGGAGATCCTGATGGAAAAGGAAATGGACAACTCAC-3'
Protein context (NP_000042.3, residues 2213-2233): KDSDFSFQEP[Ile2223Leu]MALRTVILEI